The following is an entry in ClinVar:

ClinVar aggregate classification (germline): Uncertain significance. Review status: criteria provided, multiple submitters, no conflicts (2 of 4 stars). 2 submissions from 2 submitters: Uncertain significance (2). Last evaluated 2022-12-21.

Conditions:
Familial cancer of breast. Also called: BREAST CANCER, FAMILIAL; Hereditary breast cancer; hereditary breast carcinoma. Identifiers: Orphanet 227535, MedGen C0346153, MONDO:0016419, OMIM 114480. Disease mechanism: loss of function.
Hereditary cancer-predisposing syndrome. Also called: Neoplastic Syndromes, Hereditary; Tumor predisposition; Hereditary Cancer Syndrome; Hereditary neoplastic syndrome. Identifiers: Orphanet 140162, MedGen C0027672, MeSH D009386, MONDO:0015356.

Submissions (2):

Ambry Genetics
Classification: Uncertain significance for Hereditary cancer-predisposing syndrome. Last evaluated: 2022-12-21. Review status: criteria provided, single submitter. Criteria: Ambry Variant Classification Scheme 2023. Collection method: clinical testing. Allele origin: germline.
Comment: The p.M992V variant (also known as c.2974A>G), located in coding exon 9 of the PALB2 gene, results from an A to G substitution at nucleotide position 2974. The methionine at codon 992 is replaced by valine, an amino acid with highly similar properties. This amino acid position is not conserved however, valine is a reference amino acid in several species. In addition, this alteration is predicted to be tolerated by in silico analysis. Since supporting evidence is limited at this time, the clinical significance of this alteration remains unclear.

Labcorp Genetics (formerly Invitae), Labcorp
Classification: Uncertain significance for Familial cancer of breast. Last evaluated: 2020-11-13. Review status: criteria provided, single submitter. Criteria: Invitae Variant Classification Sherloc (09022015). Collection method: clinical testing. Allele origin: germline.
Comment: This variant has not been reported in the literature in individuals with PALB2-related conditions. ClinVar contains an entry for this variant (Variation ID: 484198). This variant is not present in population databases (ExAC no frequency). This sequence change replaces methionine with valine at codon 992 of the PALB2 protein (p.Met992Val). The methionine residue is moderately conserved and there is a small physicochemical difference between methionine and valine. In summary, the available evidence is currently insufficient to determine the role of this variant in disease. Therefore, it has been classified as a Variant of Uncertain Significance. Algorithms developed to predict the effect of missense changes on protein structure and function output the following: SIFT: "Tolerated"; PolyPhen-2: "Benign"; Align-GVGD: "Class C0". The valine amino acid residue is found in multiple mammalian species, suggesting that this missense change does not adversely affect protein function. These predictions have not been confirmed by published functional studies and their clinical significance is uncertain.

NM_024675.4(PALB2):c.2974A>G (p.Met992Val)

Gene: PALB2 (partner and localizer of BRCA2; minus strand). Cytogenetic location: 16p12.2.
Variant type: single nucleotide variant.
Coding change: c.2974A>G on transcript NM_024675.4 (MANE Select); coding-DNA position 2974, A replaced by G.
Protein change: p.Met992Val; replaces methionine 992 with valine.
Molecular consequence: missense variant.
Genome position (GRCh38, 1-based): chr16:23,622,991, T>C on the plus strand (A>G on the coding strand, the complement: PALB2 is on the minus strand). VCF-style: chr16-23622991-T-C. GRCh37 (hg19) VCF-style: chr16-23634312-T-C.
Other names: short protein forms M992V.
Identifiers: ClinVar variation 484198 (VCV000484198.14), dbSNP rs1555459522, ClinGen allele CA395143946.